The following is an entry in ClinVar:

ClinVar aggregate classification (germline): Likely benign. Review status: criteria provided, multiple submitters, no conflicts (2 of 4 stars). 3 submissions from 3 submitters: Likely benign (3). Last evaluated 2025-11-21.

Conditions:
3-methylglutaconic aciduria type 5. Also called: 3 alpha methylglutaconic aciduria type V; MGA 5; CARDIOMYOPATHY, DILATED, WITH ATAXIA; MGA, TYPE V. Identifiers: Orphanet 66634, MedGen C1857776, MONDO:0012435, OMIM 610198.

Allele frequency attached by ClinVar (database versions not stated): 1000 Genomes Project 30x 0.00031; 1000 Genomes Project 0.00040.
gnomAD v4.1: 48 of 1,614,090 alleles (0.003%); highest among the groups gnomAD compares: Middle Eastern, 0.016%; no homozygotes.

Submissions (3):

Labcorp Genetics (formerly Invitae), Labcorp
Classification: Likely benign for 3-methylglutaconic aciduria type 5. Last evaluated: 2025-11-21. Review status: criteria provided, single submitter. Criteria: Invitae Variant Classification Sherloc (09022015). Collection method: clinical testing. Allele origin: germline.

Blueprint Genetics
Classification: Likely benign. Last evaluated: 2024-02-20. Review status: criteria provided, single submitter. Criteria: ACMG Guidelines, 2015. Collection method: clinical testing. Allele origin: germline.

CeGaT Center for Human Genetics Tuebingen
Classification: Likely benign. Last evaluated: 2023-05-01. Review status: criteria provided, single submitter. Criteria: CeGaT Center For Human Genetics Tuebingen Variant Classification Criteria Version 2. Collection method: clinical testing. Allele origin: germline. Affected: yes. Observed: 1 variant allele.
Comment: DNAJC19: BP4, BP7

NM_145261.4(DNAJC19):c.63C>T (p.Tyr21=)

Gene: DNAJC19 (DnaJ heat shock protein family (Hsp40) member C19; minus strand). Cytogenetic location: 3q26.33.
Variant type: single nucleotide variant.
Coding change: c.63C>T on transcript NM_145261.4 (MANE Select); coding-DNA position 63, C replaced by T.
Protein change: p.Tyr21=; no amino-acid change (tyrosine 21 retained).
Molecular consequence: synonymous variant. On other transcripts: 5 prime UTR variant (1), non-coding transcript variant (3).
Genome position (GRCh38, 1-based): chr3:180,988,089, G>A on the plus strand (C>T on the coding strand, the complement: DNAJC19 is on the minus strand). VCF-style: chr3-180988089-G-A. GRCh37 (hg19) VCF-style: chr3-180705877-G-A.
Other names: c.-13C>T (NM_001190233.2).
Identifiers: ClinVar variation 1626436 (VCV001626436.33), dbSNP rs145786060, ClinGen allele CA2717143.